The following is an entry in ClinVar:

NM_001519.4(BRF1):c.1383C>T (p.Ile461=)

Gene: BRF1 (BRF1 general transcription factor IIIB subunit; minus strand). Cytogenetic location: 14q32.33.
Variant type: single nucleotide variant.
Coding change: c.1383C>T on transcript NM_001519.4 (MANE Select); coding-DNA position 1383, C replaced by T.
Protein change: p.Ile461=; no amino-acid change (isoleucine 461 retained).
Molecular consequence: synonymous variant.
Genome position (GRCh38, 1-based): chr14:105,219,227, G>A on the plus strand (C>T on the coding strand, the complement: BRF1 is on the minus strand). VCF-style: chr14-105219227-G-A. GRCh37 (hg19) VCF-style: chr14-105685564-G-A.
Other names: c.771C>T, p.Ile257= (NM_145685.3); c.1104C>T, p.Ile368= (NM_001242786.2); c.1038C>T, p.Ile346= (NM_001242787.2); c.1302C>T, p.Ile434= (NM_001242788.2); c.669C>T, p.Ile223= (NM_001242789.2).
Identifiers: ClinVar variation 3341744 (VCV003341744.16).

ClinVar aggregate classification (germline): Likely benign (1 of 4 stars; one submission).

gnomAD v4.1: 786 of 1,612,032 alleles (0.049%); highest among the groups gnomAD compares: Non-Finnish European, 0.063%; 2 homozygotes.

Submission:

CeGaT Center for Human Genetics Tuebingen
Classification: Likely benign. Last evaluated: 2024-08-01. Review status: criteria provided, single submitter. Criteria: CeGaT Center For Human Genetics Tuebingen Variant Classification Criteria Version 2. Collection method: clinical testing. Allele origin: germline. Affected: yes. Observed: 1 variant allele.
Comment: BRF1: BP4, BP7